The following is an entry in ClinVar:

ClinVar aggregate classification (germline): Uncertain significance (1 of 4 stars; one submission).

Conditions:
Ectodermal dysplasia and immunodeficiency 2. Identifiers: Orphanet 238468, Orphanet 98813, MedGen C2677481, MONDO:0012806, OMIM 612132.

Allele frequency attached by ClinVar (database versions not stated): ExAC 0.00001; gnomAD 0.00001 and 0.00003; gnomAD exomes 0.00002; TOPMed 0.00002.
gnomAD v4.1: 12 of 1,614,076 alleles (0.00074%); highest among the groups gnomAD compares: Admixed American, 0.005%; no homozygotes.

Submission:

Labcorp Genetics (formerly Invitae), Labcorp
Classification: Uncertain significance for Ectodermal dysplasia and immunodeficiency 2. Last evaluated: 2022-12-07. Review status: criteria provided, single submitter. Criteria: Invitae Variant Classification Sherloc (09022015). Collection method: clinical testing. Allele origin: germline.
Comment: In summary, the available evidence is currently insufficient to determine the role of this variant in disease. Therefore, it has been classified as a Variant of Uncertain Significance. Algorithms developed to predict the effect of missense changes on protein structure and function are either unavailable or do not agree on the potential impact of this missense change (SIFT: "Deleterious"; PolyPhen-2: "Benign"; Align-GVGD: "Class C0"). ClinVar contains an entry for this variant (Variation ID: 649160). This variant has not been reported in the literature in individuals affected with NFKBIA-related conditions. This variant is present in population databases (rs747273949, gnomAD 0.009%). This sequence change replaces arginine, which is basic and polar, with tryptophan, which is neutral and slightly polar, at codon 264 of the NFKBIA protein (p.Arg264Trp).

NM_020529.3(NFKBIA):c.790C>T (p.Arg264Trp)

Gene: NFKBIA (NFKB inhibitor alpha; minus strand). Cytogenetic location: 14q13.2.
Variant type: single nucleotide variant.
Coding change: c.790C>T on transcript NM_020529.3 (MANE Select); coding-DNA position 790, C replaced by T.
Protein change: p.Arg264Trp; replaces arginine 264 with tryptophan.
Molecular consequence: missense variant.
Genome position (GRCh38, 1-based): chr14:35,402,510, G>A on the plus strand (C>T on the coding strand, the complement: NFKBIA is on the minus strand). VCF-style: chr14-35402510-G-A. GRCh37 (hg19) VCF-style: chr14-35871716-G-A.
Other names: short protein forms R264W.
Identifiers: ClinVar variation 649160 (VCV000649160.9), dbSNP rs747273949, ClinGen allele CA7155357.
Genomic context (GRCh38, chr14:35,402,510, plus strand): 5'-CACTCTCTGGCAGCATCTGAAGGTTTTCTAGTGTCAGCTGGCCCAGCTGCTGCTGTATCC[G>A]GGTGCTTGGGCGGCCCCAGGTGAGCTGGTAGGGAGAATAGCCCTGGTAGGTAACTCTGTT-3'
Protein context (NP_065390.1, residues 254-274): YQLTWGRPST[Arg264Trp]IQQQLGQLTL